The following is an entry in ClinVar:

ClinVar aggregate classification (germline): Benign. Review status: criteria provided, multiple submitters, no conflicts (2 of 4 stars). 3 submissions from 3 submitters: Benign (2). 1 of the submissions does not count toward it. Last evaluated 2026-02-01.

Conditions:
TIMMDC1-related disorder. Also called: TIMMDC1-related condition.

Allele frequency attached by ClinVar (database versions not stated): ESP Exome Variant Server 0.11895; gnomAD 0.10671 and 0.11254; 1000 Genomes Project 0.11741; TOPMed 0.11890; gnomAD exomes 0.04346; ExAC 0.04927; 1000 Genomes Project 30x 0.12071.

Submissions (3):

Labcorp Genetics (formerly Invitae), Labcorp
Classification: Benign. Last evaluated: 2026-02-01. Review status: criteria provided, single submitter. Criteria: Invitae Variant Classification Sherloc (09022015). Collection method: clinical testing. Allele origin: germline.

Breakthrough Genomics
Classification: Benign. Review status: criteria provided, single submitter. Criteria: ACMG Guidelines, 2015. Collection method: not provided. Allele origin: germline. Inheritance: Autosomal recessive inheritance. Affected: yes.

PreventionGenetics, part of Exact Sciences
Classification: Benign for TIMMDC1-related condition. Last evaluated: 2019-11-06. Review status: no assertion criteria provided. Collection method: clinical testing. Allele origin: germline. Not counted in ClinVar's aggregate classification.
Comment: This variant is classified as benign based on ACMG/AMP sequence variant interpretation guidelines (Richards et al. 2015 PMID: 25741868, with internal and published modifications).

NM_016589.4(TIMMDC1):c.649G>A (p.Val217Ile)

Gene: TIMMDC1 (translocase of inner mitochondrial membrane domain containing 1; plus strand). Cytogenetic location: 3q13.33.
Variant type: single nucleotide variant.
Coding change: c.649G>A on transcript NM_016589.4 (MANE Select); coding-DNA position 649, G replaced by A.
Protein change: p.Val217Ile; replaces valine 217 with isoleucine.
Molecular consequence: missense variant.
Genome position (GRCh38, 1-based): chr3:119,517,257, G>A. VCF-style: chr3-119517257-G-A. GRCh37 (hg19) VCF-style: chr3-119236104-G-A.
Other names: c.649G>A (NM_016589.3); short protein forms V217I.
Identifiers: ClinVar variation 1542433 (VCV001542433.11), dbSNP rs57168946, ClinGen allele CA2555325.